The following is an entry in ClinVar:

NM_002335.4(LRP5):c.1786G>A (p.Val596Met)

Gene: LRP5 (LDL receptor related protein 5; plus strand). Cytogenetic location: 11q13.2.
Variant type: single nucleotide variant.
Coding change: c.1786G>A on transcript NM_002335.4 (MANE Select); coding-DNA position 1786, G replaced by A.
Protein change: p.Val596Met; replaces valine 596 with methionine.
Molecular consequence: missense variant. On other transcripts: 5 prime UTR variant (1).
Genome position (GRCh38, 1-based): chr11:68,403,684, G>A. VCF-style: chr11-68403684-G-A. GRCh37 (hg19) VCF-style: chr11-68171152-G-A.
Other names: c.-152G>A (NM_001291902.2); short protein forms V596M.
Identifiers: ClinVar variation 3006091 (VCV003006091.3), dbSNP rs1474661423, ClinGen allele CA381614716.

ClinVar aggregate classification (germline): Uncertain significance (1 of 4 stars; one submission).

Allele frequency attached by ClinVar (database versions not stated): gnomAD exomes 0.00001.
gnomAD v4.1: 10 of 1,613,958 alleles (0.00062%); highest among the groups gnomAD compares: Non-Finnish European, 0.00085%; no homozygotes.

Submission:

Labcorp Genetics (formerly Invitae), Labcorp
Classification: Uncertain significance. Last evaluated: 2023-06-02. Review status: criteria provided, single submitter. Criteria: Invitae Variant Classification Sherloc (09022015). Collection method: clinical testing. Allele origin: germline.
Comment: In summary, the available evidence is currently insufficient to determine the role of this variant in disease. Therefore, it has been classified as a Variant of Uncertain Significance. This sequence change replaces valine, which is neutral and non-polar, with methionine, which is neutral and non-polar, at codon 596 of the LRP5 protein (p.Val596Met). This variant is present in population databases (no rsID available, gnomAD 0.002%). This variant has not been reported in the literature in individuals affected with LRP5-related conditions. Advanced modeling of protein sequence and biophysical properties (such as structural, functional, and spatial information, amino acid conservation, physicochemical variation, residue mobility, and thermodynamic stability) performed at Invitae indicates that this missense variant is not expected to disrupt LRP5 protein function.